The following is an entry in ClinVar:

NM_001073.3(UGT2B11):c.1293A>C (p.Thr431=)

Genes: UGT2B11 (UDP glucuronosyltransferase family 2 member B11; minus strand), UGT2B11-AS1 (UGT2B11 antisense RNA 1; plus strand). Cytogenetic location: 4q13.2.
Variant type: single nucleotide variant.
Coding change: c.1293A>C on transcript NM_001073.3 (MANE Select); coding-DNA position 1293, A replaced by C.
Protein change: p.Thr431=; no amino-acid change (threonine 431 retained).
Molecular consequence: synonymous variant.
Genome position (GRCh38, 1-based): chr4:69,204,447, T>G on the plus strand (A>C on the coding strand, the complement: UGT2B11 is on the minus strand). VCF-style: chr4-69204447-T-G. GRCh37 (hg19) VCF-style: chr4-70070165-T-G.
Identifiers: ClinVar variation 3905581 (VCV003905581.10).

ClinVar aggregate classification (germline): Likely benign (1 of 4 stars; one submission).

gnomAD v4.1: 2 of 1,611,886 alleles (0.00012%); highest among the groups gnomAD compares: South Asian, 0.0022%; no homozygotes.

Submission:

CeGaT Center for Human Genetics Tuebingen
Classification: Likely benign. Last evaluated: 2025-06-01. Review status: criteria provided, single submitter. Criteria: CeGaT Center For Human Genetics Tuebingen Variant Classification Criteria Version 2. Collection method: clinical testing. Allele origin: germline. Affected: yes. Observed: 1 variant allele.
Comment: UGT2B11: BP4, BP7